The following is an entry in ClinVar:

ClinVar aggregate classification (germline): Conflicting classifications of pathogenicity. Review status: criteria provided, conflicting classifications (1 of 4 stars). 3 submissions from 3 submitters: Uncertain significance (1); Likely benign (1). 1 of the submissions does not count toward it. Last evaluated 2026-01-12.

Conditions:
Acrocallosal syndrome (ACLS). Also called: HALLUX DUPLICATION, POSTAXIAL POLYDACTYLY, AND ABSENCE OF CORPUS CALLOSUM; Schinzel syndrome 1; Absence of corpus callosum with unusual facial appearance, mental deficiency, duplication of the halluces and polydactyly. Identifiers: Orphanet 36, MedGen C0796147, MONDO:0008708, OMIM 200990.

Allele frequency attached by ClinVar (database versions not stated): ExAC 0.00025.
gnomAD v4.1: 77 of 1,598,576 alleles (0.0048%); highest among the groups gnomAD compares: South Asian, 0.084%; 1 homozygote.

Submissions (3):

Labcorp Genetics (formerly Invitae), Labcorp
Classification: Likely benign for Acrocallosal syndrome. Last evaluated: 2026-01-12. Review status: criteria provided, single submitter. Criteria: Invitae Variant Classification Sherloc (09022015). Collection method: clinical testing. Allele origin: germline.

Blueprint Genetics
Classification: Uncertain significance. Last evaluated: 2021-10-18. Review status: criteria provided, single submitter. Criteria: ACMG Guidelines, 2015. Collection method: clinical testing. Allele origin: germline.

Department of Pathology and Laboratory Medicine, Sinai Health System
Classification: Uncertain significance. Review status: no assertion criteria provided. Collection method: clinical testing. Allele origin: unknown. Affected: yes. Study: The Canadian Open Genetics Repository (COGR). Not counted in ClinVar's aggregate classification.
Comment: The KIF7 p.Glu883Asp variant was not identified in the literature nor was it identified in ClinVar or LOVD 3.0. The variant was identified in dbSNP (ID: rs765751072) and in control databases in 32 of 226518 chromosomes at a frequency of 0.0001413 (Genome Aggregation Database March 6, 2019, v2.1.1). The variant was observed in the South Asian population in 32 of 28274 chromosomes (freq: 0.001132), but was not observed in the African, Latino, Ashkenazi Jewish, East Asian, European (Finnish), European (non-Finnish), or Other populations. The p.Glu883 residue is conserved in mammals and computational analyses (PolyPhen-2, SIFT, AlignGVGD, BLOSUM, MutationTaster) provide inconsistent predictions regarding the impact to the protein; this information is not very predictive of pathogenicity. The variant occurs outside of the splicing consensus sequence and in silico or computational prediction software programs (SpliceSiteFinder, MaxEntScan, NNSPLICE, GeneSplicer) do not predict a difference in splicing. In summary, based on the above information the clinical significance of this variant cannot be determined with certainty at this time. This variant is classified as a variant of uncertain significance.

NM_198525.3(KIF7):c.2649G>T (p.Glu883Asp)

Gene: KIF7 (kinesin family member 7; minus strand). Cytogenetic location: 15q26.1.
Variant type: single nucleotide variant.
Coding change: c.2649G>T on transcript NM_198525.3 (MANE Select); coding-DNA position 2649, G replaced by T.
Protein change: p.Glu883Asp; replaces glutamic acid 883 with aspartic acid.
Molecular consequence: missense variant.
Genome position (GRCh38, 1-based): chr15:89,633,210, C>A on the plus strand (G>T on the coding strand, the complement: KIF7 is on the minus strand). VCF-style: chr15-89633210-C-A. GRCh37 (hg19) VCF-style: chr15-90176441-C-A.
Other names: short protein forms E883D.
Identifiers: ClinVar variation 1050683 (VCV001050683.5), dbSNP rs765751072, ClinGen allele CA7728057.